The following is an entry in ClinVar:

ClinVar aggregate classification (germline): Pathogenic. Review status: criteria provided, multiple submitters, no conflicts (2 of 4 stars). 2 submissions from 2 submitters: Pathogenic (2). Last evaluated 2022-06-23.

Conditions:
Ehlers-Danlos syndrome, classic type, 1 (EDSCL1). Also called: Ehlers-Danlos Syndrome, Classic Type, COL5A1-Related; EDS I; Ehlers-Danlos syndrome, type 1; EHLERS-DANLOS SYNDROME, GRAVIS TYPE; EHLERS-DANLOS SYNDROME, SEVERE CLASSIC TYPE. Identifiers: MedGen C0268335, MONDO:0019567, OMIM 130000.

Submissions (2):

Labcorp Genetics (formerly Invitae), Labcorp
Classification: Pathogenic for Ehlers-Danlos syndrome, classic type, 1. Last evaluated: 2022-06-23. Review status: criteria provided, single submitter. Criteria: Invitae Variant Classification Sherloc (09022015). Collection method: clinical testing. Allele origin: germline.
Comment: This variant is not present in population databases (gnomAD no frequency). For these reasons, this variant has been classified as Pathogenic. ClinVar contains an entry for this variant (Variation ID: 523829). This variant has not been reported in the literature in individuals affected with COL5A1-related conditions. This sequence change creates a premature translational stop signal (p.Glu302*) in the COL5A1 gene. It is expected to result in an absent or disrupted protein product. Loss-of-function variants in COL5A1 are known to be pathogenic (PMID: 23587214).

GeneDx
Classification: Pathogenic. Last evaluated: 2018-04-17. Review status: criteria provided, single submitter. Criteria: GeneDx Variant Classification (06012015). Collection method: clinical testing. Allele origin: germline. Affected: yes.
Comment: The E302X variant in the COL5A1 gene has not been reported as a pathogenic or benign to our knowledge. This variant is predicted to cause loss of normal protein function either by protein truncation or nonsense-mediated mRNA decay. Other nonsense variants in the COL5A1 gene have been reported in Human Gene Mutation Database in association with cEDS (Stenson et al., 2014). Furthermore, the E302X variant is not observed in large population cohorts (Lek et al., 2016). In summary, E302X in the COL5A1 gene is interpreted as a pathogenic variant.

Literature cited by the submitters: PubMed 23587214 (cited by Labcorp Genetics (formerly Invitae), Labcorp).

NM_000093.5(COL5A1):c.904G>T (p.Glu302Ter)

Gene: COL5A1 (collagen type V alpha 1 chain; plus strand). Cytogenetic location: 9q34.3.
Variant type: single nucleotide variant.
Coding change: c.904G>T on transcript NM_000093.5 (MANE Select); coding-DNA position 904, G replaced by T.
Protein change: p.Glu302Ter; replaces glutamic acid 302 with a stop codon.
Molecular consequence: nonsense.
Genome position (GRCh38, 1-based): chr9:134,728,787, G>T. VCF-style: chr9-134728787-G-T. GRCh37 (hg19) VCF-style: chr9-137620633-G-T.
Other names: c.904G>T, p.Glu302Ter (NM_001278074.1); short protein forms E302*.
Identifiers: ClinVar variation 523829 (VCV000523829.7), dbSNP rs1554787811, ClinGen allele CA375447658.